The following is an entry in ClinVar:

ClinVar aggregate classification (germline): Benign (1 of 4 stars; one submission).

Allele frequency attached by ClinVar (database versions not stated): gnomAD 0.39553 and 0.40316; 1000 Genomes Project 30x 0.40615; 1000 Genomes Project 0.51138; gnomAD exomes 0.52909.
gnomAD v4.1: 422,599 of 829,748 alleles (51%); highest among the groups gnomAD compares: East Asian, 65%; 144,204 homozygotes.

Submission:

GeneDx
Classification: Benign. Last evaluated: 2019-01-11. Review status: criteria provided, single submitter. Criteria: GeneDx Variant Classification Process June 2021. Collection method: clinical testing. Allele origin: germline. Affected: yes.
Comment: This variant is associated with the following publications: (PMID: 26202972, 20628005)

NM_001077.4(UGT2B17):c.-64-91A>G

Gene: UGT2B17 (UDP glucuronosyltransferase family 2 member B17; minus strand). Cytogenetic location: 4q13.2.
Variant type: single nucleotide variant.
Coding change: c.-64-91A>G on transcript NM_001077.4 (MANE Select); 91 bases into the intron before 64 bases upstream of the start codon, A replaced by G.
Molecular consequence: intron variant.
Genome position (GRCh38, 1-based): chr4:68,568,639, T>C on the plus strand (A>G on the coding strand, the complement: UGT2B17 is on the minus strand). VCF-style: chr4-68568639-T-C. GRCh37 (hg19) VCF-style: chr4-69434357-T-C.
Identifiers: ClinVar variation 1291450 (VCV001291450.2), dbSNP rs59678213, ClinGen allele CA99379568.